The following is an entry in ClinVar:

ClinVar aggregate classification (germline): Uncertain significance (1 of 4 stars; one submission).

Submission:

GeneDx
Classification: Uncertain significance. Last evaluated: 2021-06-22. Review status: criteria provided, single submitter. Criteria: GeneDx Variant Classification Process June 2021. Collection method: clinical testing. Allele origin: germline. Affected: yes.
Comment: Not observed at significant frequency in large population cohorts (Lek et al., 2016); In silico analysis supports that this missense variant has a deleterious effect on protein structure/function; Has not been previously published as pathogenic or benign to our knowledge; This variant is associated with the following publications: (PMID: 27535533)

NM_006160.4(NEUROD2):c.406G>T (p.Asp136Tyr)

Gene: NEUROD2 (neuronal differentiation 2; minus strand). Cytogenetic location: 17q12.
Variant type: single nucleotide variant.
Coding change: c.406G>T on transcript NM_006160.4 (MANE Select); coding-DNA position 406, G replaced by T.
Protein change: p.Asp136Tyr; replaces aspartic acid 136 with tyrosine.
Molecular consequence: missense variant.
Genome position (GRCh38, 1-based): chr17:39,606,194, C>A on the plus strand (G>T on the coding strand, the complement: NEUROD2 is on the minus strand). VCF-style: chr17-39606194-C-A. GRCh37 (hg19) VCF-style: chr17-37762447-C-A.
Other names: short protein forms D136Y.
Identifiers: ClinVar variation 1329764 (VCV001329764.2), dbSNP rs2144812210, ClinGen allele CA399258536.